The following is an entry in ClinVar:

NM_001197293.3(DPYSL2):c.1815C>T (p.Asp605=)

Gene: DPYSL2 (dihydropyrimidinase like 2; plus strand). Cytogenetic location: 8p21.2.
Variant type: single nucleotide variant.
Coding change: c.1815C>T on transcript NM_001197293.3 (MANE Select); coding-DNA position 1815, C replaced by T.
Protein change: p.Asp605=; no amino-acid change (aspartic acid 605 retained).
Molecular consequence: synonymous variant.
Genome position (GRCh38, 1-based): chr8:26,653,270, C>T. VCF-style: chr8-26653270-C-T. GRCh37 (hg19) VCF-style: chr8-26510786-C-T.
Other names: c.1392C>T, p.Asp464= (NM_001244604.2); c.1500C>T, p.Asp500= (NM_001386.6).
Identifiers: ClinVar variation 4533915 (VCV004533915.6).

ClinVar aggregate classification (germline): Likely benign (1 of 4 stars; one submission).

gnomAD v4.1: 1,069 of 1,613,972 alleles (0.066%); highest among the groups gnomAD compares: Non-Finnish European, 0.087%; 3 homozygotes.

Submission:

CeGaT Center for Human Genetics Tuebingen
Classification: Likely benign. Last evaluated: 2025-11-01. Review status: criteria provided, single submitter. Criteria: CeGaT Center For Human Genetics Tuebingen Variant Classification Criteria Version 2. Collection method: clinical testing. Allele origin: germline. Affected: yes. Observed: 1 variant allele.
Comment: DPYSL2: BP4, BP7